The following is an entry in ClinVar:

ClinVar aggregate classification (germline): Uncertain significance (1 of 4 stars; one submission).

gnomAD v4.1: 1 of 1,614,186 alleles (0.000062%); highest among the groups gnomAD compares: Non-Finnish European, 0.000085%; no homozygotes.

Submission:

Ambry Genetics
Classification: Uncertain significance. Last evaluated: 2026-06-24. Review status: criteria provided, single submitter. Criteria: Ambry Variant Classification Scheme 2023. Collection method: clinical testing. Allele origin: germline.
Comment: The p.G1384E variant (also known as c.4151G>A), located in coding exon 14 of the CDK12 gene, results from a G to A substitution at nucleotide position 4151. The glycine at codon 1384 is replaced by glutamic acid, an amino acid with similar properties. This amino acid position is conserved. In addition, the in silico prediction for this alteration is inconclusive. Based on the available evidence, the clinical significance of this variant remains unclear.

NM_016507.4(CDK12):c.4151G>A (p.Gly1384Glu)

Gene: CDK12 (cyclin dependent kinase 12; plus strand). Cytogenetic location: 17q12.
Variant type: single nucleotide variant.
Coding change: c.4151G>A on transcript NM_016507.4 (MANE Select); coding-DNA position 4151, G replaced by A.
Protein change: p.Gly1384Glu; replaces glycine 1384 with glutamic acid.
Molecular consequence: missense variant.
Genome position (GRCh38, 1-based): chr17:39,530,994, G>A. VCF-style: chr17-39530994-G-A. GRCh37 (hg19) VCF-style: chr17-37687247-G-A.
Other names: c.4124G>A, p.Gly1375Glu (NM_015083.4); short protein forms G1375E, G1384E.
Identifiers: ClinVar variation 5034063 (VCV005034063.1).